The following is an entry in ClinVar:

ClinVar aggregate classification (germline): Pathogenic (1 of 4 stars; one submission).

Submission:

CeGaT Center for Human Genetics Tuebingen
Classification: Pathogenic. Last evaluated: 2025-11-01. Review status: criteria provided, single submitter. Criteria: CeGaT Center For Human Genetics Tuebingen Variant Classification Criteria Version 2. Collection method: clinical testing. Allele origin: germline. Affected: yes. Observed: 3 variant alleles.
Comment: ATM: PVS1, PM2

NM_000051.4(ATM):c.257del (p.Thr86fs)

Gene: ATM (ATM serine/threonine kinase; plus strand). Cytogenetic location: 11q22.3.
Variant type: Deletion.
Coding change: c.257del on transcript NM_000051.4 (MANE Select); coding-DNA position 257, one base deleted (C; older notation c.257delC).
Protein change: p.Thr86fs; shifts the reading frame from threonine 86.
Molecular consequence: frameshift variant.
Genome position (GRCh38, 1-based): chr11:108,229,249, C deleted. VCF-style (leftmost placement, unchanged base first): chr11-108229248-AC-A. GRCh37 (hg19) VCF-style: chr11-108099975-AC-A.
Other names: c.257del, p.Thr86fs (NM_001351834.2, NM_001351835.2, NM_001351836.2); short protein forms T86fs.
Identifiers: ClinVar variation 3389857 (VCV003389857.14).
Genomic context (GRCh38, chr11:108,229,248, plus strand): 5'-AAATATATTCAGAAAGAAACAGAATGTCTGAGAATAGCAAAACCAAATGTATCAGCCTCA[AC>A]ACAAGCCTCCAGGCAGAAAAAGATGCAGGAAATCAGTAGTTTGGTCAAATACTTCATCAA-3'